The following is an entry in ClinVar:

NM_001270508.2(TNFAIP3):c.2140C>T (p.Pro714Ser)

Gene: TNFAIP3 (TNF alpha induced protein 3; plus strand). Cytogenetic location: 6q23.3.
Variant type: single nucleotide variant.
Coding change: c.2140C>T on transcript NM_001270508.2 (MANE Select); coding-DNA position 2140, C replaced by T.
Protein change: p.Pro714Ser; replaces proline 714 with serine.
Molecular consequence: missense variant.
Genome position (GRCh38, 1-based): chr6:137,881,086, C>T. VCF-style: chr6-137881086-C-T. GRCh37 (hg19) VCF-style: chr6-138202223-C-T.
Other names: c.2140C>T, p.Pro714Ser (NM_001270507.2, NM_006290.4); c.2140C>T (NM_006290.3); short protein forms P714S.
Identifiers: ClinVar variation 1595854 (VCV001595854.10), dbSNP rs369155845, ClinGen allele CA4019807.

ClinVar aggregate classification (germline): Likely benign. Review status: criteria provided, multiple submitters, no conflicts (2 of 4 stars). 3 submissions from 3 submitters: Likely benign (2). 1 of the submissions does not count toward it. Last evaluated 2025-12-11.

Conditions:
TNFAIP3-related disorder. Also called: TNFAIP3-related condition.

Allele frequency attached by ClinVar (database versions not stated): gnomAD exomes 0.00015; 1000 Genomes Project 30x 0.00016; ExAC 0.00019; 1000 Genomes Project 0.00020.

Submissions (3):

Labcorp Genetics (formerly Invitae), Labcorp
Classification: Likely benign. Last evaluated: 2025-12-11. Review status: criteria provided, single submitter. Criteria: Invitae Variant Classification Sherloc (09022015). Collection method: clinical testing. Allele origin: germline.

Women's Health and Genetics/Laboratory Corporation of America, LabCorp
Classification: Likely benign. Last evaluated: 2025-10-01. Review status: criteria provided, single submitter. Criteria: LabCorp Variant Classification Summary - May 2015. Collection method: clinical testing. Allele origin: germline.

PreventionGenetics, part of Exact Sciences
Classification: Likely benign for TNFAIP3-related condition. Last evaluated: 2024-03-04. Review status: no assertion criteria provided. Collection method: clinical testing. Allele origin: germline. Not counted in ClinVar's aggregate classification.
Comment: This variant is classified as likely benign based on ACMG/AMP sequence variant interpretation guidelines (Richards et al. 2015 PMID: 25741868, with internal and published modifications).